The following is an entry in ClinVar:

ClinVar aggregate classification (germline): Benign (1 of 4 stars; one submission).

Conditions:
Tumoral calcinosis, hyperphosphatemic, familial, 3. Identifiers: MedGen C4693864, MONDO:0060715, OMIM 617994.

Allele frequency attached by ClinVar (database versions not stated): gnomAD 0.01299 and 0.01215; TOPMed 0.01345; 1000 Genomes Project 30x 0.01452; gnomAD exomes 0.00232; 1000 Genomes Project 0.01298.

Submission:

Illumina Laboratory Services, Illumina
Classification: Benign for Tumoral calcinosis, hyperphosphatemic, familial, 3. Last evaluated: 2018-01-12. Review status: criteria provided, single submitter. Criteria: ICSL Variant Classification Criteria 13 December 2019. Collection method: clinical testing. Allele origin: germline.
Comment: This variant was observed in the ICSL laboratory as part of a predisposition screen in an ostensibly healthy population. It had not been previously curated by ICSL or reported in the Human Gene Mutation Database (HGMD: prior to June 1st, 2018), and was therefore a candidate for classification through an automated scoring system. Utilizing variant allele frequency, disease prevalence and penetrance estimates, and inheritance mode, an automated score was calculated to assess if this variant is too frequent to cause the disease. Based on the score and internal cut-off values, a variant classified as benign is not then subjected to further curation. The score for this variant resulted in a classification of benign for this disease.

NM_004795.4(KL):c.*543G>A

Gene: KL (klotho; plus strand). Cytogenetic location: 13q13.1.
Variant type: single nucleotide variant.
Coding change: c.*543G>A on transcript NM_004795.4 (MANE Select); 543 bases downstream of the stop codon, G replaced by A.
Molecular consequence: 3 prime UTR variant.
Genome position (GRCh38, 1-based): chr13:33,064,729, G>A. VCF-style: chr13-33064729-G-A. GRCh37 (hg19) VCF-style: chr13-33638866-G-A.
Identifiers: ClinVar variation 311717 (VCV000311717.5), dbSNP rs116819287, ClinGen allele CA10639325.